The following is an entry in ClinVar:

NM_001042492.3(NF1):c.2614G>T (p.Glu872Ter)

Gene: NF1 (neurofibromin 1; plus strand). Cytogenetic location: 17q11.2.
Variant type: single nucleotide variant.
Coding change: c.2614G>T on transcript NM_001042492.3 (MANE Select); coding-DNA position 2614, G replaced by T.
Protein change: p.Glu872Ter; replaces glutamic acid 872 with a stop codon.
Molecular consequence: nonsense.
Genome position (GRCh38, 1-based): chr17:31,229,229, G>T. VCF-style: chr17-31229229-G-T. GRCh37 (hg19) VCF-style: chr17-29556247-G-T.
Other names: c.2614G>T, p.Glu872Ter (NM_000267.4); short protein forms E872*.
Identifiers: ClinVar variation 1068661 (VCV001068661.5), dbSNP rs2151429255, ClinGen allele CA398984484.

ClinVar aggregate classification (germline): Pathogenic (1 of 4 stars; one submission).

Conditions:
Neurofibromatosis, type 1 (NF1). Also called: VON RECKLINGHAUSEN DISEASE; Peripheral type neurofibromatosis; NEUROFIBROMATOSIS, TYPE I, SOMATIC; Neurofibromatosis, type I. Identifiers: Orphanet 636, MedGen C0027831, MONDO:0018975, OMIM 162200. Disease mechanism: loss of function.

Submission:

Labcorp Genetics (formerly Invitae), Labcorp
Classification: Pathogenic for Neurofibromatosis, type 1. Last evaluated: 2024-08-19. Review status: criteria provided, single submitter. Criteria: Invitae Variant Classification Sherloc (09022015). Collection method: clinical testing. Allele origin: germline.
Comment: This sequence change creates a premature translational stop signal (p.Glu872*) in the NF1 gene. It is expected to result in an absent or disrupted protein product. Loss-of-function variants in NF1 are known to be pathogenic (PMID: 10712197, 23913538). This variant is not present in population databases (gnomAD no frequency). This variant has not been reported in the literature in individuals affected with NF1-related conditions. ClinVar contains an entry for this variant (Variation ID: 1068661). Algorithms developed to predict the effect of sequence changes on RNA splicing suggest that this variant may create or strengthen a splice site. For these reasons, this variant has been classified as Pathogenic.

Literature cited by the submitters: PubMed 10712197; PubMed 23913538.